The following is an entry in ClinVar:

NM_000153.4(GALC):c.1418G>A (p.Arg473His)

Gene: GALC (galactosylceramidase; minus strand). Cytogenetic location: 14q31.3.
Variant type: single nucleotide variant.
Coding change: c.1418G>A on transcript NM_000153.4 (MANE Select); coding-DNA position 1418, G replaced by A.
Protein change: p.Arg473His; replaces arginine 473 with histidine.
Molecular consequence: missense variant.
Genome position (GRCh38, 1-based): chr14:87,947,799, C>T on the plus strand (G>A on the coding strand, the complement: GALC is on the minus strand). VCF-style: chr14-87947799-C-T. GRCh37 (hg19) VCF-style: chr14-88414143-C-T.
Other names: p.Arg473His; c.1349G>A, p.Arg450His (NM_001201401.2); c.1340G>A, p.Arg447His (NM_001201402.2); short protein forms R473H, R447H, R450H.
Identifiers: ClinVar variation 314748 (VCV000314748.11), dbSNP rs374868151, ClinGen allele CA7297017.

ClinVar aggregate classification (germline): Uncertain significance. Review status: criteria provided, multiple submitters, no conflicts (2 of 4 stars). 4 submissions from 4 submitters: Uncertain significance (4). Last evaluated 2025-02-10.

Conditions:
Galactosylceramide beta-galactosidase deficiency. Also called: GALACTOCEREBROSIDASE DEFICIENCY; GALC DEFICIENCY; GLOBOID CELL LEUKOENCEPHALOPATHY; Leukodystrophy, Globoid Cell; Krabbe Disease. Identifiers: Orphanet 487, MedGen C0023521, MONDO:0009499, OMIM 245200.

Allele frequency attached by ClinVar (database versions not stated): gnomAD 0.00001; ExAC 0.00002; TOPMed 0.00002; gnomAD exomes 0.00003 and 0.00010; ESP Exome Variant Server 0.00008.
gnomAD v4.1: 146 of 1,612,654 alleles (0.0091%); highest among the groups gnomAD compares: Non-Finnish European, 0.012%; no homozygotes.

Submissions (4):

Labcorp Genetics (formerly Invitae), Labcorp
Classification: Uncertain significance for Galactosylceramide beta-galactosidase deficiency. Last evaluated: 2025-02-10. Review status: criteria provided, single submitter. Criteria: Invitae Variant Classification Sherloc (09022015). Collection method: clinical testing. Allele origin: germline.
Comment: This sequence change replaces arginine, which is basic and polar, with histidine, which is basic and polar, at codon 473 of the GALC protein (p.Arg473His). This variant is present in population databases (rs374868151, gnomAD 0.007%). This variant has not been reported in the literature in individuals affected with GALC-related conditions. ClinVar contains an entry for this variant (Variation ID: 314748). Invitae Evidence Modeling of protein sequence and biophysical properties (such as structural, functional, and spatial information, amino acid conservation, physicochemical variation, residue mobility, and thermodynamic stability) indicates that this missense variant is not expected to disrupt GALC protein function with a negative predictive value of 95%. In summary, the available evidence is currently insufficient to determine the role of this variant in disease. Therefore, it has been classified as a Variant of Uncertain Significance.

Department of Pathology and Laboratory Medicine, Sinai Health System
Classification: Uncertain significance for Galactosylceramide beta-galactosidase deficiency. Last evaluated: 2023-04-05. Review status: criteria provided, single submitter. Criteria: ACMG Guidelines, 2015. Collection method: research. Allele origin: germline.

Mayo Clinic Laboratories, Mayo Clinic
Classification: Uncertain significance. Last evaluated: 2022-09-02. Review status: criteria provided, single submitter. Criteria: ACMG Guidelines, 2015. Collection method: clinical testing. Allele origin: germline. Observed: 1 variant allele.
Comment: BP4, PM2

Illumina Laboratory Services, Illumina
Classification: Uncertain significance for Galactosylceramide beta-galactosidase deficiency. Last evaluated: 2018-01-13. Review status: criteria provided, single submitter. Criteria: ICSL Variant Classification Criteria 13 December 2019. Collection method: clinical testing. Allele origin: germline.